The following is an entry in ClinVar:

ClinVar aggregate classification (germline): Uncertain significance (1 of 4 stars; one submission).

Allele frequency attached by ClinVar (database versions not stated): gnomAD exomes 0.00001 and 0.00002; ExAC 0.00002.
gnomAD v4.1: 6 of 1,613,616 alleles (0.00037%); highest among the groups gnomAD compares: Admixed American, 0.0083%; no homozygotes.

Submission:

Labcorp Genetics (formerly Invitae), Labcorp
Classification: Uncertain significance. Last evaluated: 2022-07-30. Review status: criteria provided, single submitter. Criteria: Invitae Variant Classification Sherloc (09022015). Collection method: clinical testing. Allele origin: germline.
Comment: This sequence change replaces leucine, which is neutral and non-polar, with serine, which is neutral and polar, at codon 1062 of the IMPG2 protein (p.Leu1062Ser). In summary, the available evidence is currently insufficient to determine the role of this variant in disease. Therefore, it has been classified as a Variant of Uncertain Significance. Algorithms developed to predict the effect of missense changes on protein structure and function are either unavailable or do not agree on the potential impact of this missense change (SIFT: "Deleterious"; PolyPhen-2: "Possibly Damaging"; Align-GVGD: "Class C0"). ClinVar contains an entry for this variant (Variation ID: 1001505). This variant has not been reported in the literature in individuals affected with IMPG2-related conditions. This variant is present in population databases (rs756822911, gnomAD 0.02%).

NM_016247.4(IMPG2):c.3185T>C (p.Leu1062Ser)

Gene: IMPG2 (interphotoreceptor matrix proteoglycan 2; minus strand). Cytogenetic location: 3q12.3.
Variant type: single nucleotide variant.
Coding change: c.3185T>C on transcript NM_016247.4 (MANE Select); coding-DNA position 3185, T replaced by C.
Protein change: p.Leu1062Ser; replaces leucine 1062 with serine.
Molecular consequence: missense variant.
Genome position (GRCh38, 1-based): chr3:101,232,829, A>G on the plus strand (T>C on the coding strand, the complement: IMPG2 is on the minus strand). VCF-style: chr3-101232829-A-G. GRCh37 (hg19) VCF-style: chr3-100951673-A-G.
Other names: short protein forms L1062S.
Identifiers: ClinVar variation 1001505 (VCV001001505.8), dbSNP rs756822911, ClinGen allele CA2518820.
Genomic context (GRCh38, chr3:101,232,829, plus strand): 5'-ACTACAACATACCTACAAATGGCCCCGTGCCCAGGCATAATGTCACACTTTCCATCATTC[A>G]AGCAGAAGTCAGGCTGTAGGTCACAGAGACTCTGACAGGGCCGTTCTTCCACACTCAGGT-3'
Protein context (NP_057331.2, residues 1052-1072): SLCDLQPDFC[Leu1062Ser]NDGKCDIMPG